The following is an entry in ClinVar:

NM_001134831.2(AHI1):c.2768C>T (p.Ala923Val)

Gene: AHI1 (Abelson helper integration site 1; minus strand). Cytogenetic location: 6q23.3.
Variant type: single nucleotide variant.
Coding change: c.2768C>T on transcript NM_001134831.2 (MANE Select); coding-DNA position 2768, C replaced by T.
Protein change: p.Ala923Val; replaces alanine 923 with valine.
Molecular consequence: missense variant.
Genome position (GRCh38, 1-based): chr6:135,411,541, G>A on the plus strand (C>T on the coding strand, the complement: AHI1 is on the minus strand). VCF-style: chr6-135411541-G-A. GRCh37 (hg19) VCF-style: chr6-135732679-G-A.
Other names: c.2768C>T, p.Ala923Val (NM_001134830.2, NM_001134832.2, NM_001350503.2 and 2 more transcripts); short protein forms A923V.
Identifiers: ClinVar variation 935019 (VCV000935019.7), dbSNP rs1220794157, ClinGen allele CA365846249.
Genomic context (GRCh38, chr6:135,411,541, plus strand): 5'-TGTATTCCAGGTAATGGAAATGTTCCATTGTAGCGTTTGAACATTTCAGCCTCCTGCTGG[G>A]CAACTGAAGAAATGAATCCATAATTAGTTAAATCATCATAGCAAAAGCATAATCAAGCCC-3'
Protein context (NP_001128303.1, residues 913-933): ILLYIYDFHV[Ala923Val]QQEAEMFKRY

ClinVar aggregate classification (germline): Uncertain significance (1 of 4 stars; one submission).

Conditions:
Joubert syndrome. Also called: Familial aplasia of the vermis; CEREBELLOPARENCHYMAL DISORDER IV; JOUBERT-BOLTSHAUSER SYNDROME. Identifiers: Orphanet 475, MedGen C5979921, MONDO:0018772.

Allele frequency attached by ClinVar (database versions not stated): gnomAD exomes below 0.00001; TOPMed 0.00001.
gnomAD v4.1: 1 of 1,563,286 alleles (0.000064%); highest among the groups gnomAD compares: East Asian, 0.0023%; no homozygotes.

Submission:

Labcorp Genetics (formerly Invitae), Labcorp
Classification: Uncertain significance for Joubert syndrome. Last evaluated: 2022-07-18. Review status: criteria provided, single submitter. Criteria: Invitae Variant Classification Sherloc (09022015). Collection method: clinical testing. Allele origin: germline.
Comment: This sequence change replaces alanine, which is neutral and non-polar, with valine, which is neutral and non-polar, at codon 923 of the AHI1 protein (p.Ala923Val). This variant is present in population databases (no rsID available, gnomAD 0.006%). This variant has not been reported in the literature in individuals affected with AHI1-related conditions. ClinVar contains an entry for this variant (Variation ID: 935019). Advanced modeling of protein sequence and biophysical properties (such as structural, functional, and spatial information, amino acid conservation, physicochemical variation, residue mobility, and thermodynamic stability) performed at Invitae indicates that this missense variant is not expected to disrupt AHI1 protein function. In summary, the available evidence is currently insufficient to determine the role of this variant in disease. Therefore, it has been classified as a Variant of Uncertain Significance.